The following is an entry in ClinVar:

ClinVar aggregate classification (germline): Uncertain significance (1 of 4 stars; one submission).

Conditions:
Progressive myoclonic epilepsy type 8. Identifiers: Orphanet 424027, MedGen C5190825, MONDO:0014545, OMIM 616230.

Allele frequency attached by ClinVar (database versions not stated): gnomAD 0.00001.

Submission:

Labcorp Genetics (formerly Invitae), Labcorp
Classification: Uncertain significance for Progressive myoclonic epilepsy type 8. Last evaluated: 2024-10-16. Review status: criteria provided, single submitter. Criteria: Invitae Variant Classification Sherloc (09022015). Collection method: clinical testing. Allele origin: germline.
Comment: This sequence change replaces alanine, which is neutral and non-polar, with glycine, which is neutral and non-polar, at codon 8 of the CERS1 protein (p.Ala8Gly). The frequency data for this variant in the population databases is considered unreliable, as metrics indicate insufficient coverage at this position in the gnomAD database. This variant has not been reported in the literature in individuals affected with CERS1-related conditions. ClinVar contains an entry for this variant (Variation ID: 581713). Experimental studies and prediction algorithms are not available or were not evaluated, and the functional significance of this variant is currently unknown. In summary, the available evidence is currently insufficient to determine the role of this variant in disease. Therefore, it has been classified as a Variant of Uncertain Significance.

NM_021267.5(CERS1):c.23C>G (p.Ala8Gly)

Genes: CERS1 (ceramide synthase 1; minus strand), GDF1 (growth differentiation factor 1; minus strand). Cytogenetic location: 19p13.11.
Variant type: single nucleotide variant.
Coding change: c.23C>G on transcript NM_021267.5 (MANE Select); coding-DNA position 23, C replaced by G.
Protein change: p.Ala8Gly; replaces alanine 8 with glycine.
Molecular consequence: missense variant. On other transcripts: 5 prime UTR variant (4), intron variant (3).
Genome position (GRCh38, 1-based): chr19:18,896,050, G>C on the plus strand (C>G on the coding strand, the complement: CERS1 is on the minus strand). VCF-style: chr19-18896050-G-C. GRCh37 (hg19) VCF-style: chr19-19006859-G-C.
Other names: c.23C>G, p.Ala8Gly (NM_001387439.1, NM_001387440.1, NM_001387441.1 and 1 more transcripts); c.-506C>G (NM_001387444.1); c.-453C>G (NM_001387445.1); c.-880C>G (NM_001387438.1); c.-1300C>G (NM_001492.6); c.-46+676C>G (NM_001387443.1); c.-46+511C>G (NM_001387442.1, NM_001290265.2); short protein forms A8G.
Identifiers: ClinVar variation 581713 (VCV000581713.8), dbSNP rs1568309719, ClinGen allele CA404868907.
Genomic context (GRCh38, chr19:18,896,050, plus strand): 5'-CCCCAGCCGCGCTGCACTAGCTGCGCGTAGCTCGGCATGGGCTCGGGCCCCGTCGGCCCC[G>C]CCGCGGGCCCCGCCGCCGCCATACCGCCCGCTCGCCCGCCGTGCCCGTCGCCTGCGCCCG-3'
Protein context (NP_067090.1, residues 1-18): MAAAGPA[Ala8Gly]GPTGPEPMPS